The following is an entry in ClinVar:

ClinVar aggregate classification (germline): Pathogenic (1 of 4 stars; one submission).

Conditions:
Immunodeficiency 67. Also called: Immunodeficiency due to interleukin-1 receptor-associated kinase-4 deficiency. Identifiers: Orphanet 70592, MedGen C1843256, MONDO:0011888, OMIM 607676.

Submission:

Labcorp Genetics (formerly Invitae), Labcorp
Classification: Pathogenic for Immunodeficiency 67. Last evaluated: 2024-10-24. Review status: criteria provided, single submitter. Criteria: Invitae Variant Classification Sherloc (09022015). Collection method: clinical testing. Allele origin: germline.
Comment: This sequence change creates a premature translational stop signal (p.Gly383Aspfs*15) in the IRAK4 gene. It is expected to result in an absent or disrupted protein product. Loss-of-function variants in IRAK4 are known to be pathogenic (PMID: 17893200, 21057262). This variant is not present in population databases (gnomAD no frequency). This premature translational stop signal has been observed in individual(s) with pneumococcal meningitis (PMID: 26698383). ClinVar contains an entry for this variant (Variation ID: 2137317). For these reasons, this variant has been classified as Pathogenic.

Literature cited by the submitters: PubMed 17893200; PubMed 21057262; PubMed 26698383.

NM_016123.4(IRAK4):c.1146del (p.Gly383fs)

Gene: IRAK4 (interleukin 1 receptor associated kinase 4; plus strand). Cytogenetic location: 12q12.
Variant type: Deletion.
Coding change: c.1146del on transcript NM_016123.4 (MANE Select); coding-DNA position 1146, one base deleted (T; older notation c.1146delT).
Protein change: p.Gly383fs; shifts the reading frame from glycine 383.
Molecular consequence: frameshift variant.
Genome position (GRCh38, 1-based): chr12:43,783,682, T deleted. VCF-style (leftmost placement, unchanged base first): chr12-43783681-CT-C. GRCh37 (hg19) VCF-style: chr12-44177484-CT-C.
Other names: c.1146del, p.Gly383fs (NM_001114182.3, NM_001351345.2); c.774del, p.Gly259fs (NM_001145256.2, NM_001145257.2, NM_001145258.2 and 5 more transcripts); c.537del, p.Gly180fs (NM_001351343.2, NM_001351344.2); short protein forms G383fs, G259fs, G180fs.
Identifiers: ClinVar variation 2137317 (VCV002137317.4), dbSNP rs2540488916, ClinGen allele CA2580085443.
Genomic context (GRCh38, chr12:43,783,681, plus strand): 5'-TATCTTGTGTATTATATTAATGATTTTTTTTGTCTTCATAGGTTTTACTAGAAATAATAA[CT>C]GGACTTCCAGCTGTGGATGAACACCGTGAACCTCAGTTATTGGTAAATGAAATATTCATT-3'